The following is an entry in ClinVar:

ClinVar aggregate classification (germline): Uncertain significance (1 of 4 stars; one submission).

Submission:

GeneDx
Classification: Uncertain significance. Last evaluated: 2018-01-09. Review status: criteria provided, single submitter. Criteria: GeneDx Variant Classification (06012015). Collection method: clinical testing. Allele origin: germline. Affected: yes.
Comment: The c.18114_18115delGA variant in the TTN gene has not been reported previously as a pathogenic variant nor as a benign variant, to our knowledge. The c.18114_18115delGA variant causes a frameshift starting with codon Lysine 6039, changes this amino acid to an Asparagine residue, and creates a premature Stop codon at position 9 of the new reading frame, denoted p.Lys6039AsnfsX9. This variant is predicted to cause loss of normal protein function either through protein truncation or nonsense-mediated mRNA decay. The c.18114_18115delGA variant is not observed in large population cohorts (Lek et al., 2016). This variant is located within the I-band. We interpret c.18114_18115delGA as a variant of uncertain significance.

NM_001267550.2(TTN):c.21846_21847del (p.Lys7283fs)

Gene: TTN (titin; minus strand). Cytogenetic location: 2q31.2.
Variant type: Microsatellite.
Coding change: c.21846_21847del on transcript NM_001267550.2 (MANE Select); coding-DNA positions 21846 to 21847, 2 bases deleted (GA; older notation c.21846_21847delGA).
Protein change: p.Lys7283fs; shifts the reading frame from lysine 7283.
Molecular consequence: frameshift variant. On other transcripts: intron variant (3).
Genome position (GRCh38, 1-based): chr2:178,723,160-178,723,161, TC deleted on the plus strand (GA on the coding strand, the reverse complement: TTN is on the minus strand); deleting any 2 consecutive bases within chr2:178,723,160-178,723,164 gives the same sequence; the c. name uses the placement nearest the transcript's 3' end. VCF-style (leftmost placement, unchanged base first): chr2-178723159-TTC-T. GRCh37 (hg19) VCF-style: chr2-179587886-TTC-T.
Other names: c.20895_20896del, p.Lys6966fs (NM_001256850.1); c.18114_18115del, p.Lys6039fs (NM_133378.4); c.13282+14921_13282+14922del (NM_003319.4); c.13858+14921_13858+14922del (NM_133437.4); c.13657+14921_13657+14922del (NM_133432.3); c.20895_20896delGA (NM_001256850.1); short protein forms K7283fs, K6039fs, K6966fs.
Identifiers: ClinVar variation 504098 (VCV000504098.2), dbSNP rs1553911887, ClinGen allele CA658796078.